The following is an entry in ClinVar:

NM_032273.4(TMEM126A):c.410T>C (p.Leu137Pro)

Gene: TMEM126A (transmembrane protein 126A; plus strand). Cytogenetic location: 11q14.1.
Variant type: single nucleotide variant.
Coding change: c.410T>C on transcript NM_032273.4 (MANE Select); coding-DNA position 410, T replaced by C.
Protein change: p.Leu137Pro; replaces leucine 137 with proline.
Molecular consequence: missense variant.
Genome position (GRCh38, 1-based): chr11:85,656,323, T>C. VCF-style: chr11-85656323-T-C. GRCh37 (hg19) VCF-style: chr11-85367367-T-C.
Other names: c.200T>C, p.Leu67Pro (NM_001244735.2); short protein forms L67P, L137P.
Identifiers: ClinVar variation 1351891 (VCV001351891.8), dbSNP rs2153313969, ClinGen allele CA381997356.

ClinVar aggregate classification (germline): Uncertain significance (1 of 4 stars; one submission).

Submission:

Labcorp Genetics (formerly Invitae), Labcorp
Classification: Uncertain significance. Last evaluated: 2023-10-13. Review status: criteria provided, single submitter. Criteria: Invitae Variant Classification Sherloc (09022015). Collection method: clinical testing. Allele origin: germline.
Comment: This sequence change replaces leucine, which is neutral and non-polar, with proline, which is neutral and non-polar, at codon 137 of the TMEM126A protein (p.Leu137Pro). This variant is not present in population databases (gnomAD no frequency). This variant has not been reported in the literature in individuals affected with TMEM126A-related conditions. ClinVar contains an entry for this variant (Variation ID: 1351891). Algorithms developed to predict the effect of missense changes on protein structure and function output the following: SIFT: "Not Available"; PolyPhen-2: "Benign"; Align-GVGD: "Not Available". The proline amino acid residue is found in multiple mammalian species, which suggests that this missense change does not adversely affect protein function. In summary, the available evidence is currently insufficient to determine the role of this variant in disease. Therefore, it has been classified as a Variant of Uncertain Significance.